The following is an entry in ClinVar:

ClinVar aggregate classification (germline): Likely benign. Review status: criteria provided, multiple submitters, no conflicts (2 of 4 stars). 2 submissions from 2 submitters: Likely benign (2). Last evaluated 2025-08-01.

Conditions:
Hereditary cancer-predisposing syndrome. Also called: Neoplastic Syndromes, Hereditary; Tumor predisposition; Hereditary Cancer Syndrome; Hereditary neoplastic syndrome. Identifiers: Orphanet 140162, MedGen C0027672, MeSH D009386, MONDO:0015356.

Submissions (2):

CeGaT Center for Human Genetics Tuebingen
Classification: Likely benign. Last evaluated: 2025-08-01. Review status: criteria provided, single submitter. Criteria: CeGaT Center For Human Genetics Tuebingen Variant Classification Criteria Version 2. Collection method: clinical testing. Allele origin: germline. Affected: yes. Observed: 1 variant allele.
Comment: ALK: PM2:Supporting, BP4, BP7

Ambry Genetics
Classification: Likely benign for Hereditary cancer-predisposing syndrome. Last evaluated: 2023-10-06. Review status: criteria provided, single submitter. Criteria: Ambry Variant Classification Scheme 2023. Collection method: clinical testing. Allele origin: germline.

NM_004304.5(ALK):c.2226T>C (p.Ala742=)

Gene: ALK (ALK receptor tyrosine kinase; minus strand). Cytogenetic location: 2p23.2.
Variant type: single nucleotide variant.
Coding change: c.2226T>C on transcript NM_004304.5 (MANE Select); coding-DNA position 2226, T replaced by C.
Protein change: p.Ala742=; no amino-acid change (alanine 742 retained).
Molecular consequence: synonymous variant.
Genome position (GRCh38, 1-based): chr2:29,239,809, A>G on the plus strand (T>C on the coding strand, the complement: ALK is on the minus strand). VCF-style: chr2-29239809-A-G. GRCh37 (hg19) VCF-style: chr2-29462675-A-G.
Identifiers: ClinVar variation 3223825 (VCV003223825.9), dbSNP rs2148188859, ClinGen allele CA425437313.
Genomic context (GRCh38, chr2:29,239,809, plus strand): 5'-GATGCCCAGCACAGACACGCCGTGGGACCGCATCATGGTGTTCTTCCCGCCTTTCCCGCC[A>G]GCAGCTCCGTAGCCCGAGATGCTGCAATGGGACAAAGAACGTTGGCTCCCGCTGTGGTAT-3'
Protein context (NP_004295.2, residues 732-752): DTYSISGYGA[Ala742=]GGKGGKNTMM